The following is an entry in ClinVar:

NM_001710.6(CFB):c.858C>G (p.Phe286Leu)

Gene: CFB (complement factor B; plus strand). Cytogenetic location: 6p21.33.
Variant type: single nucleotide variant.
Coding change: c.858C>G on transcript NM_001710.6 (MANE Select); coding-DNA position 858, C replaced by G.
Protein change: p.Phe286Leu; replaces phenylalanine 286 with leucine.
Molecular consequence: missense variant.
Genome position (GRCh38, 1-based): chr6:31,948,042, C>G. VCF-style: chr6-31948042-C-G. GRCh37 (hg19) VCF-style: chr6-31915819-C-G.
Other names: short protein forms F286L.
Identifiers: ClinVar variation 16079 (VCV000016079.4), dbSNP rs117905900, ClinGen allele CA257417.

ClinVar aggregate classification (germline): Likely pathogenic. Review status: criteria provided, single submitter (1 of 4 stars). 2 submissions from 2 submitters: Likely pathogenic (1). 1 of the submissions does not count toward it. Last evaluated 2025-09-26.

Conditions:
Atypical hemolytic-uremic syndrome. Identifiers: Orphanet 2134, MedGen C2931788, MONDO:0016244.
Atypical hemolytic-uremic syndrome with B factor anomaly. Also called: HEMOLYTIC UREMIC SYNDROME, ATYPICAL, SUSCEPTIBILITY TO, 4; AHUS, SUSCEPTIBILITY TO, 4. Identifiers: Orphanet 2134, MedGen C2752038, MONDO:0013042, OMIM 612924.

Submissions (2):

Genomenon, Inc
Classification: Likely pathogenic for Atypical hemolytic-uremic syndrome. Last evaluated: 2025-09-26. Review status: criteria provided, single submitter. Criteria: Genomenon Sequence Variant Interpretation Standards - Updated. Collection method: curation. Allele origin: germline. Affected: yes.
Comment: CFB p.Phe286Leu (c.858C>G) is a missense variant that changes the amino acid at residue 286 from Phenylalanine to Leucine. This variant has been observed in at least one proband affected with atypical hemolytic-uremic syndrome (PMID:17182750). The variant was found to segregate with disease in at least one affected family (PMID:17182750). At least one functional study has demonstrated a substantial alteration in protein function relative to the wild-type (PMID:17182750;36846022). It is absent or not present at a significant frequency in gnomAD. In silico models agree that this variant is possibly or probably damaging. In conclusion, we classify CFB p.Phe286Leu (c.858C>G) as a likely pathogenic variant.

OMIM
Classification: risk factor for HEMOLYTIC UREMIC SYNDROME, ATYPICAL, SUSCEPTIBILITY TO, 4. Last evaluated: 2007-01-02. Review status: no assertion criteria provided. Collection method: literature only. Allele origin: germline. Not counted in ClinVar's aggregate classification.

Literature cited by the submitters: PubMed 17182750 (cited by Genomenon, Inc and OMIM); 36846022 (cited by Genomenon, Inc); PubMed 7452889 (cited by OMIM); PubMed 15661753 (cited by OMIM).